The following is an entry in ClinVar:

ClinVar aggregate classification (germline): Pathogenic/Likely pathogenic. Review status: criteria provided, multiple submitters, no conflicts (2 of 4 stars). 2 submissions from 2 submitters: Pathogenic (1); Likely pathogenic (1). Last evaluated 2023-08-31.

Conditions:
Primary hyperoxaluria, type I (HP1). Also called: Primary hyperoxaluria type 1; GLYCOLIC ACIDURIA; HEPATIC AGT DEFICIENCY; OXALOSIS I. Identifiers: Orphanet 416, Orphanet 93598, MedGen C0268164, MONDO:0009823, OMIM 259900. Disease mechanism: loss of function.

gnomAD v4.1: 1 of 1,612,842 alleles (0.000062%); highest among the groups gnomAD compares: Non-Finnish European, 0.000085%; no homozygotes.

Submissions (2):

Baylor Genetics
Classification: Likely pathogenic for Primary hyperoxaluria, type I. Last evaluated: 2023-08-31. Review status: criteria provided, single submitter. Criteria: ACMG Guidelines, 2015. Collection method: clinical testing. Allele origin: unknown.

Labcorp Genetics (formerly Invitae), Labcorp
Classification: Pathogenic. Last evaluated: 2022-04-17. Review status: criteria provided, single submitter. Criteria: Invitae Variant Classification Sherloc (09022015). Collection method: clinical testing. Allele origin: germline.
Comment: For these reasons, this variant has been classified as Pathogenic. Experimental studies have shown that this missense change affects AGXT function (PMID: 15802217, 20133649, 23229545). Advanced modeling of protein sequence and biophysical properties (such as structural, functional, and spatial information, amino acid conservation, physicochemical variation, residue mobility, and thermodynamic stability) performed at Invitae indicates that this missense variant is expected to disrupt AGXT protein function. This missense change has been observed in individual(s) with hyperoxaluria (PMID: 8101040, 10541294). In at least one individual the data is consistent with being in trans (on the opposite chromosome) from a pathogenic variant. This variant is not present in population databases (gnomAD no frequency). This sequence change replaces glycine, which is neutral and non-polar, with arginine, which is basic and polar, at codon 41 of the AGXT protein (p.Gly41Arg).

Literature cited by the submitters: PubMed 15802217 (cited by Labcorp Genetics (formerly Invitae), Labcorp); PubMed 20133649 (cited by Labcorp Genetics (formerly Invitae), Labcorp); PubMed 23229545 (cited by Labcorp Genetics (formerly Invitae), Labcorp); PubMed 8101040 (cited by Labcorp Genetics (formerly Invitae), Labcorp); PubMed 10541294 (cited by Labcorp Genetics (formerly Invitae), Labcorp).

NM_000030.3(AGXT):c.121G>C (p.Gly41Arg)

Gene: AGXT (alanine--glyoxylate aminotransferase; plus strand). Cytogenetic location: 2q37.3.
Variant type: single nucleotide variant.
Coding change: c.121G>C on transcript NM_000030.3 (MANE Select); coding-DNA position 121, G replaced by C.
Protein change: p.Gly41Arg; replaces glycine 41 with arginine.
Molecular consequence: missense variant.
Genome position (GRCh38, 1-based): chr2:240,868,986, G>C. VCF-style: chr2-240868986-G-C. GRCh37 (hg19) VCF-style: chr2-241808403-G-C.
Other names: short protein forms G41R.
Identifiers: ClinVar variation 2203295 (VCV002203295.5), dbSNP rs121908523, ClinGen allele CA351313171.